The following is an entry in ClinVar:

ClinVar aggregate classification (germline): Pathogenic. Review status: criteria provided, multiple submitters, no conflicts (2 of 4 stars). 8 submissions from 8 submitters: Pathogenic (5). 3 of the submissions do not count toward it. Last evaluated 2026-01-21.

Conditions:
Roberts-SC phocomelia syndrome (RBS). Also called: Hypomelia hypotrichosis facial hemangioma syndrome; Pseudothalidomide syndrome; Appelt-Gerken-Lenz syndrome; LONG BONE DEFICIENCIES ASSOCIATED WITH CLEFT LIP-PALATE; ESCO2 Spectrum Disorder. Identifiers: Orphanet 3103, MedGen C0392475, MONDO:0100253, OMIM 268300.
Juberg-Hayward syndrome (JHS). Also called: OROCRANIODIGITAL SYNDROME; Cleft lip/palate with abnormal thumbs and microcephaly. Identifiers: Orphanet 2319, MedGen C0796099, MONDO:0008992, OMIM 216100.

Submissions (8):

Natera, Inc.
Classification: Pathogenic for Roberts syndrome. Last evaluated: 2026-01-21. Review status: criteria provided, single submitter. Criteria: Natera Variant Classification Schema (03/2026). Collection method: clinical testing. Allele origin: germline.
Comment: The c.879_880delAG variant in ESCO2 is a frameshift variant predicted to shift the reading frame beginning at codon 293 and leads to a stop codon 7 codons downstream. This variant is expected to result in nonsense mediated decay, truncation, or a dysfunctional protein product. This variant is rare in the general population with a frequency below the threshold expected for the associated phenotype(s). This variant has been observed in one or more individuals affected with the associated recessive disease, as either homozygous or compound heterozygous with a second variant (PMID: 15821733). Functional studies show that this variant may disrupt protein function (PMID: 18411254). Given the available evidence, this variant is classified as Pathogenic.

Labcorp Genetics (formerly Invitae), Labcorp
Classification: Pathogenic. Last evaluated: 2025-10-14. Review status: criteria provided, single submitter. Criteria: Invitae Variant Classification Sherloc (09022015). Collection method: clinical testing. Allele origin: germline.
Comment: This sequence change creates a premature translational stop signal (p.Arg293Serfs*7) in the ESCO2 gene. It is expected to result in an absent or disrupted protein product. Loss-of-function variants in ESCO2 are known to be pathogenic (PMID: 15821733, 16380922). This variant is present in population databases (rs771324896, gnomAD 0.007%). This premature translational stop signal has been observed in individuals with Roberts syndrome (PMID: 15821733, 18411254, 19574259). ClinVar contains an entry for this variant (Variation ID: 21251). For these reasons, this variant has been classified as Pathogenic.

3billion
Classification: Pathogenic for Roberts-SC phocomelia syndrome. Last evaluated: 2025-01-29. Review status: criteria provided, single submitter. Criteria: ACMG Guidelines, 2015. Collection method: clinical testing. Allele origin: germline. Affected: yes.
Comment: The variant is observed at an extremely low frequency in the gnomAD v4.1.0 dataset (total allele frequency: 0.006%). Predicted Consequence/Location: Frameshift: predicted to result in a loss or disruption of normal protein function through nonsense-mediated decay (NMD) or protein truncation. Multiple pathogenic variants are reported downstream of the variant. The variant has been reported at least twice as pathogenic without evidence for the classification (ClinVar ID: VCV000021251 /PMID: 15821733). Therefore, this variant is classified as Pathogenic according to the recommendation of ACMG/AMP guideline.

Fulgent Genetics
Classification: Pathogenic for Juberg-Hayward syndrome; Roberts-SC phocomelia syndrome. Last evaluated: 2024-04-18. Review status: criteria provided, single submitter. Criteria: ACMG Guidelines, 2015. Collection method: clinical testing. Allele origin: germline.

Juno Genomics, Hangzhou Juno Genomics, Inc
Classification: Pathogenic for Juberg-Hayward syndrome; Roberts-SC phocomelia syndrome. Review status: criteria provided, single submitter. Criteria: ACMG Guidelines, 2015. Collection method: clinical testing. Allele origin: germline.
Comment: Absent from controls (or at extremely low frequency if recessive) in Genome Aggregation Database.;Null variant in a gene where loss of function (LOF) is a known mechanism of disease.;For recessive disorders, detected in trans with a pathogenic variant.;Patient's phenotype or family history is highly specific for a disease with a single genetic etiology.

Clinical Genetics DNA and cytogenetics Diagnostics Lab, Erasmus MC, Erasmus Medical Center
Classification: Likely pathogenic. Review status: no assertion criteria provided. Collection method: clinical testing. Allele origin: germline. Affected: yes. Study: VKGL Data-share Consensus. Not counted in ClinVar's aggregate classification.

Diagnostic Laboratory, Department of Genetics, University Medical Center Groningen
Classification: Pathogenic. Review status: no assertion criteria provided. Collection method: clinical testing. Allele origin: germline. Affected: yes. Study: VKGL Data-share Consensus. Not counted in ClinVar's aggregate classification.

GeneReviews
No classification provided. Condition: Roberts-SC phocomelia syndrome. Review status: no classification provided. Collection method: literature only. Allele origin: germline. Not counted in ClinVar's aggregate classification.

Literature cited by the submitters: PubMed 15821733 (cited by 4 submitters); PubMed 18411254 (cited by Natera, Inc. and Labcorp Genetics (formerly Invitae), Labcorp); PubMed 16380922 (cited by Labcorp Genetics (formerly Invitae), Labcorp); PubMed 19574259 (cited by Labcorp Genetics (formerly Invitae), Labcorp); PubMed 20301332 (cited by GeneReviews).

NM_001017420.3(ESCO2):c.879_880del (p.Arg293fs)

Gene: ESCO2 (establishment of sister chromatid cohesion N-acetyltransferase 2; plus strand). Cytogenetic location: 8p21.1.
Variant type: Microsatellite.
Coding change: c.879_880del on transcript NM_001017420.3 (MANE Select); coding-DNA positions 879 to 880, 2 bases deleted (AG; older notation c.879_880delAG).
Protein change: p.Arg293fs; shifts the reading frame from arginine 293.
Molecular consequence: frameshift variant.
Genome position (GRCh38, 1-based): chr8:27,780,191-27,780,192, AG deleted; deleting any 2 consecutive bases within chr8:27,780,189-27,780,192 gives the same sequence; the c. name uses the placement nearest the transcript's 3' end. VCF-style (leftmost placement, unchanged base first): chr8-27780188-CAG-C. GRCh37 (hg19) VCF-style: chr8-27637705-CAG-C.
Other names: c.879_880del (NM_001017420.2); short protein forms R293fs.
Identifiers: ClinVar variation 21251 (VCV000021251.21), dbSNP rs80359857, ClinGen allele CA341796.